The following is an entry in ClinVar:

NM_001130987.2(DYSF):c.1577-1645G>A

Gene: DYSF (dysferlin; plus strand). Cytogenetic location: 2p13.2.
Variant type: single nucleotide variant.
Coding change: c.1577-1645G>A on transcript NM_001130987.2 (MANE Select); 1645 bases into the intron before coding-DNA position 1577, G replaced by A.
Molecular consequence: intron variant.
Genome position (GRCh38, 1-based): chr2:71,549,396, G>A. VCF-style: chr2-71549396-G-A. GRCh37 (hg19) VCF-style: chr2-71776526-G-A.
Other names: c.1615+5G>A (NM_001130979.2); c.1574-1645G>A (NM_001130981.2, NM_001130980.2); c.1522+5G>A (NM_001130978.2, NM_003494.4, NM_003494.3); c.1481-1645G>A (NM_001130977.2, NM_001130976.2); c.1618+5G>A (NM_001130982.2); c.1577-1645G>A (NM_001130985.2); c.1525+5G>A (NM_001130983.2, NM_001130455.2); c.1484-1645G>A (NM_001130984.2, NM_001130986.2).
Identifiers: ClinVar variation 2503998 (VCV002503998.2), dbSNP rs764434177, ClinGen allele CA1705847.
Genomic context (GRCh38, chr2:71,549,396, plus strand): 5'-TCTTTACGCTTCAGAGGAGCCTGCAGGTGCTGTCAAGCCTTCGAAAGCCTCAGACTGTAC[G>A]TTGCTGTCACCTTGGGGACAACCAGGGGAGTGGGGCCTTGGGTTTTGGCTAGAGGGGCGA-3'

ClinVar aggregate classification (germline): Uncertain significance. Review status: criteria provided, multiple submitters, no conflicts (2 of 4 stars). 2 submissions from 2 submitters: Uncertain significance (2). Last evaluated 2024-10-08.

Allele frequency attached by ClinVar (database versions not stated): ExAC 0.00001; gnomAD 0.00001; TOPMed 0.00002.
gnomAD v4.1: 30 of 1,611,482 alleles (0.0019%); highest among the groups gnomAD compares: South Asian, 0.0044%; no homozygotes.

Submissions (2):

Blueprint Genetics
Classification: Uncertain significance. Last evaluated: 2024-10-08. Review status: criteria provided, single submitter. Criteria: ACMG Guidelines, 2015. Collection method: clinical testing. Allele origin: germline.

Women's Health and Genetics/Laboratory Corporation of America, LabCorp
Classification: Uncertain significance. Last evaluated: 2023-04-26. Review status: criteria provided, single submitter. Criteria: LabCorp Variant Classification Summary - May 2015. Collection method: clinical testing. Allele origin: germline.
Comment: Variant summary: DYSF c.1522+5G>A alters a conserved nucleotide located close to a canonical splice site and therefore could affect mRNA splicing, leading to a significantly altered protein sequence. Several computational tools predict a significant impact on normal splicing: Two predict the variant abolishes a 5' splicing donor site. However, these predictions have yet to be confirmed by functional studies. The variant allele was found at a frequency of 2e-05 in 246264 control chromosomes. c.1522+5G>A has been reported in the literature in an individual with unexplained limb-girdle weakness without definitive diagnosis of Limb-Girdle Muscular Dystrophy, Autosomal Recessive (Topf_2020) with no second variant reported. These report(s) do not provide unequivocal conclusions about association of the variant with Limb-Girdle Muscular Dystrophy, Autosomal Recessive. To our knowledge, no experimental evidence demonstrating an impact on protein function has been reported. The following publication has been ascertained in the context of this evaluation (PMID: 32528171). No clinical diagnostic laboratories have submitted clinical-significance assessments for this variant to ClinVar after 2014. Based on the evidence outlined above, the variant was classified as VUS.

Literature cited by the submitters: PubMed 32528171 (cited by Women's Health and Genetics/Laboratory Corporation of America, LabCorp).